The following is an entry in ClinVar:

NM_017934.7(PHIP):c.923+4A>G

Gene: PHIP (PHIP subunit of CUL4-Ring ligase complex; minus strand). Cytogenetic location: 6q14.1.
Variant type: single nucleotide variant.
Coding change: c.923+4A>G on transcript NM_017934.7 (MANE Select); 4 bases into the intron after coding-DNA position 923, A replaced by G.
Molecular consequence: intron variant.
Genome position (GRCh38, 1-based): chr6:79,025,515, T>C on the plus strand (A>G on the coding strand, the complement: PHIP is on the minus strand). VCF-style: chr6-79025515-T-C. GRCh37 (hg19) VCF-style: chr6-79735232-T-C.
Identifiers: ClinVar variation 4986473 (VCV004986473.1).

ClinVar aggregate classification (germline): Uncertain significance (1 of 4 stars; one submission).

Conditions:
PHIP-related disorder. Also called: PHIP-related disorders; PHIP-related condition.

gnomAD v4.1: 5 of 1,544,558 alleles (0.00032%); highest among the groups gnomAD compares: Non-Finnish European, 0.00036%; no homozygotes.

Submission:

PreventionGenetics, part of Exact Sciences
Classification: Uncertain significance for PHIP-related condition. Last evaluated: 2024-12-30. Review status: criteria provided, single submitter. Criteria: ACMG Guidelines, 2015. Collection method: clinical testing. Allele origin: germline.
Comment: The PHIP c.923+4A>G variant is predicted to interfere with splicing. To our knowledge, this variant has not been reported in the literature or in a large population database (gnomAD), indicating this variant is rare. This variant is predicted to alter splicing based on available splicing prediction programs (SpliceAI, Jaganathan et al. 2019. PubMed ID: 30661751). However, the use of computer prediction programs is not equivalent to functional evidence. At this time, the clinical significance of this variant is uncertain due to the absence of conclusive functional and genetic evidence.